The following is an entry in ClinVar:

NM_080680.3(COL11A2):c.1996A>G (p.Ile666Val)

Gene: COL11A2 (collagen type XI alpha 2 chain; minus strand). Cytogenetic location: 6p21.32.
Variant type: single nucleotide variant.
Coding change: c.1996A>G on transcript NM_080680.3 (MANE Select); coding-DNA position 1996, A replaced by G.
Protein change: p.Ile666Val; replaces isoleucine 666 with valine.
Molecular consequence: missense variant. On other transcripts: 5 prime UTR variant (1).
Genome position (GRCh38, 1-based): chr6:33,177,201, T>C on the plus strand (A>G on the coding strand, the complement: COL11A2 is on the minus strand). VCF-style: chr6-33177201-T-C. GRCh37 (hg19) VCF-style: chr6-33144978-T-C.
Other names: c.1816A>G, p.Ile606Val (NM_001424108.1); c.1150A>G, p.Ile384Val (NM_001424109.1); c.970A>G, p.Ile324Val (NM_001424110.1, NM_001424111.1); c.-51A>G (NM_001424112.1); c.1675A>G, p.Ile559Val (NM_080679.3); c.1738A>G, p.Ile580Val (NM_080681.3); short protein forms I384V, I580V, I559V, I606V, I324V, I666V.
Identifiers: ClinVar variation 3684567 (VCV003684567.2).

ClinVar aggregate classification (germline): Uncertain significance (1 of 4 stars; one submission).

gnomAD v4.1: 2 of 1,613,022 alleles (0.00012%); highest among the groups gnomAD compares: Non-Finnish European, 0.00017%; no homozygotes.

Submission:

Labcorp Genetics (formerly Invitae), Labcorp
Classification: Uncertain significance. Last evaluated: 2024-04-11. Review status: criteria provided, single submitter. Criteria: Invitae Variant Classification Sherloc (09022015). Collection method: clinical testing. Allele origin: germline.
Comment: This sequence change replaces isoleucine, which is neutral and non-polar, with valine, which is neutral and non-polar, at codon 666 of the COL11A2 protein (p.Ile666Val). This variant is not present in population databases (gnomAD no frequency). This variant has not been reported in the literature in individuals affected with COL11A2-related conditions. Advanced modeling of protein sequence and biophysical properties (such as structural, functional, and spatial information, amino acid conservation, physicochemical variation, residue mobility, and thermodynamic stability) performed at Invitae indicates that this missense variant is not expected to disrupt COL11A2 protein function with a negative predictive value of 95%. In summary, the available evidence is currently insufficient to determine the role of this variant in disease. Therefore, it has been classified as a Variant of Uncertain Significance.